The following is an entry in ClinVar:

NM_001453.3(FOXC1):c.208C>T (p.Gln70Ter)

Gene: FOXC1 (forkhead box C1; plus strand). Cytogenetic location: 6p25.3.
Variant type: single nucleotide variant.
Coding change: c.208C>T on transcript NM_001453.3 (MANE Select); coding-DNA position 208, C replaced by T.
Protein change: p.Gln70Ter; replaces glutamine 70 with a stop codon.
Molecular consequence: nonsense.
Genome position (GRCh38, 1-based): chr6:1,610,653, C>T. VCF-style: chr6-1610653-C-T. GRCh37 (hg19) VCF-style: chr6-1610888-C-T.
Other names: c.208C>T (NM_001453.2); short protein forms Q70*.
Identifiers: ClinVar variation 2000743 (VCV002000743.5), dbSNP rs2480501985, ClinGen allele CA362558306.
Genomic context (GRCh38, chr6:1,610,653, plus strand): 5'-CCTGCGCACGCCGAGCAGTACCCGGGCGGCATGGCCCGCGCCTACGGGCCCTACACGCCG[C>T]AGCCGCAGCCCAAGGACATGGTGAAGCCGCCCTATAGCTACATCGCGCTCATCACCATGG-3'

ClinVar aggregate classification (germline): Pathogenic. Review status: criteria provided, multiple submitters, no conflicts (2 of 4 stars). 2 submissions from 2 submitters: Pathogenic (2). Last evaluated 2025-02-27.

Conditions:
Axenfeld-Rieger syndrome type 3 (RIEG3). Also called: AXENFELD-RIEGER ANOMALY WITH CARDIAC DEFECTS AND/OR SENSORINEURAL HEARING LOSS. Identifiers: Orphanet 782, MedGen C2678503, MONDO:0011233, OMIM 602482.

Submissions (2):

Labcorp Genetics (formerly Invitae), Labcorp
Classification: Pathogenic for Axenfeld-Rieger syndrome type 3. Last evaluated: 2025-02-27. Review status: criteria provided, single submitter. Criteria: Invitae Variant Classification Sherloc (09022015). Collection method: clinical testing. Allele origin: germline.
Comment: This sequence change creates a premature translational stop signal (p.Gln70*) in the FOXC1 gene. While this is not anticipated to result in nonsense mediated decay, it is expected to disrupt the last 484 amino acid(s) of the FOXC1 protein. This variant is not present in population databases (gnomAD no frequency). This variant has not been reported in the literature in individuals affected with FOXC1-related conditions. ClinVar contains an entry for this variant (Variation ID: 2000743). This variant disrupts a region of the FOXC1 protein in which other variant(s) (p.Gln467*) have been determined to be pathogenic (PMID: 32499604; internal data). This suggests that this is a clinically significant region of the protein, and that variants that disrupt it are likely to be disease-causing. For these reasons, this variant has been classified as Pathogenic.

GeneDx
Classification: Pathogenic. Last evaluated: 2024-03-15. Review status: criteria provided, single submitter. Criteria: GeneDx Variant Classification Process June 2021. Collection method: clinical testing. Allele origin: germline. Affected: yes.
Comment: Identified in patients with anterior segment dysgenesis referred for genetic testing at GeneDx and in published literature (PMID: 30653986, 36442680); Nonsense variant predicted to result in protein truncation, as the last 484 amino acids are lost, and other loss-of-function variants have been reported downstream in HGMD; Not observed at significant frequency in large population cohorts (gnomAD); This variant is associated with the following publications: (PMID: 36442680, 30653986)

Literature cited by the submitters: PubMed 32499604 (cited by Labcorp Genetics (formerly Invitae), Labcorp).